The following is an entry in ClinVar:

NM_000392.5(ABCC2):c.3541C>T (p.Arg1181Ter)

Gene: ABCC2 (ATP binding cassette subfamily C member 2; plus strand). Cytogenetic location: 10q24.2.
Variant type: single nucleotide variant.
Coding change: c.3541C>T on transcript NM_000392.5 (MANE Select); coding-DNA position 3541, C replaced by T.
Protein change: p.Arg1181Ter; replaces arginine 1181 with a stop codon.
Molecular consequence: nonsense.
Genome position (GRCh38, 1-based): chr10:99,836,217, C>T. VCF-style: chr10-99836217-C-T. GRCh37 (hg19) VCF-style: chr10-101595974-C-T.
Other names: short protein forms R1181*.
Identifiers: ClinVar variation 2719068 (VCV002719068.6), dbSNP rs1045996985, ClinGen allele CA212862206.
Genomic context (GRCh38, chr10:99,836,217, plus strand): 5'-TCTCACTTCAGCGAGACCGTATCAGGTTTGCCAGTTATCCGTGCCTTTGAGCACCAGCAG[C>T]GATTTCTGAAACACAATGAGGTGAGGATTGACACCAACCAGAAATGTGTCTTTTCCTGGA-3'

ClinVar aggregate classification (germline): Pathogenic. Review status: criteria provided, multiple submitters, no conflicts (2 of 4 stars). 2 submissions from 2 submitters: Pathogenic (2). Last evaluated 2024-02-13.

Conditions:
Dubin-Johnson syndrome (DJS). Also called: HYPERBILIRUBINEMIA, DUBIN-JOHNSON TYPE; Hyperbilirubinemia type 2; Jaundice, Chronic Idiopathic. Identifiers: Orphanet 234, MedGen C0022350, MONDO:0009380, OMIM 237500.

Allele frequency attached by ClinVar (database versions not stated): gnomAD exomes 0.00002; TOPMed 0.00002.
gnomAD v4.1: 33 of 1,614,158 alleles (0.002%); highest among the groups gnomAD compares: East Asian, 0.0045%; no homozygotes.

Submissions (2):

Labcorp Genetics (formerly Invitae), Labcorp
Classification: Pathogenic. Last evaluated: 2024-02-13. Review status: criteria provided, single submitter. Criteria: Invitae Variant Classification Sherloc (09022015). Collection method: clinical testing. Allele origin: germline.
Comment: This sequence change creates a premature translational stop signal (p.Arg1181*) in the ABCC2 gene. It is expected to result in an absent or disrupted protein product. Loss-of-function variants in ABCC2 are known to be pathogenic (PMID: 9185779, 16549534, 16952291). This variant is present in population databases (no rsID available, gnomAD 0.003%). This variant has not been reported in the literature in individuals affected with ABCC2-related conditions. For these reasons, this variant has been classified as Pathogenic.

Juno Genomics, Hangzhou Juno Genomics, Inc
Classification: Pathogenic for Dubin-Johnson syndrome. Review status: criteria provided, single submitter. Criteria: ACMG Guidelines, 2015. Collection method: clinical testing. Allele origin: germline. Affected: yes.
Comment: Null variant in a gene where loss of function (LOF) is a known mechanism of disease.;Absent from controls (or at extremely low frequency if recessive) in Genome Aggregation Database, Exome Sequencing Project, 1000 Genomes Project, or Exome Aggregation Consortium.;Patient's phenotype or family history is highly specific for a disease with a single genetic etiology.

Literature cited by the submitters: PubMed 9185779 (cited by Labcorp Genetics (formerly Invitae), Labcorp); PubMed 16549534 (cited by Labcorp Genetics (formerly Invitae), Labcorp); PubMed 16952291 (cited by Labcorp Genetics (formerly Invitae), Labcorp).